The following is an entry in ClinVar:

ClinVar aggregate classification (germline): Likely pathogenic (1 of 4 stars; one submission).

Conditions:
Cornelia de Lange syndrome 5 (CDLS5). Also called: HDAC8-Related Cornelia de Lange Syndrome. Identifiers: Orphanet 199, MedGen C3550903, MONDO:0010471, OMIM 300882.

Submissions (2):

Labcorp Genetics (formerly Invitae), Labcorp
Classification: Likely pathogenic for Cornelia de Lange syndrome 5. Last evaluated: 2025-06-15. Review status: criteria provided, single submitter. Criteria: Invitae Variant Classification Sherloc (09022015). Collection method: clinical testing. Allele origin: germline.
Comment: This sequence change affects an acceptor splice site in intron 1 of the HDAC8 gene. It is expected to disrupt RNA splicing. Variants that disrupt the donor or acceptor splice site typically lead to a loss of protein function (PMID: 16199547), and loss-of-function variants in HDAC8 are known to be pathogenic (PMID: 19605684, 22885700, 24403048, 25075551, 26671848). This variant is not present in population databases (gnomAD no frequency). This variant has not been reported in the literature in individuals affected with HDAC8-related conditions. Algorithms developed to predict the effect of sequence changes on RNA splicing suggest that this variant may disrupt the consensus splice site. In summary, the currently available evidence indicates that the variant is pathogenic, but additional data are needed to prove that conclusively. Therefore, this variant has been classified as Likely Pathogenic.

Dr. Peter K. Rogan Lab, Western University
No classification provided (evidence only). Condition: Thyroid cancer, nonmedullary, 1. Review status: no classification provided. Collection method: in vitro. Allele origin: not applicable. Functional consequence: retained intron. Not counted in ClinVar's aggregate classification.

Literature cited by the submitters: PubMed 16199547 (cited by Labcorp Genetics (formerly Invitae), Labcorp); PubMed 19605684 (cited by Labcorp Genetics (formerly Invitae), Labcorp); PubMed 22885700 (cited by Labcorp Genetics (formerly Invitae), Labcorp); PubMed 24403048 (cited by Labcorp Genetics (formerly Invitae), Labcorp); PubMed 25075551 (cited by Labcorp Genetics (formerly Invitae), Labcorp); PubMed 26671848 (cited by Labcorp Genetics (formerly Invitae), Labcorp).

NM_018486.3(HDAC8):c.112-1G>T

Gene: HDAC8 (histone deacetylase 8; minus strand). Cytogenetic location: Xq13.1.
Variant type: single nucleotide variant.
Coding change: c.112-1G>T on transcript NM_018486.3 (MANE Select); the canonical splice acceptor site of the intron before coding-DNA position 112, G replaced by T.
Molecular consequence: splice acceptor variant.
Genome position (GRCh38, 1-based): chrX:72,572,110, C>A on the plus strand (G>T on the coding strand, the complement: HDAC8 is on the minus strand). VCF-style: chrX-72572110-C-A. GRCh37 (hg19) VCF-style: chrX-71791960-C-A.
Other names: NC_000023.10:g.71791960C>A; c.112-1G>T (NM_001441234.1, NM_001410727.1, NM_001410725.1 and 8 more transcripts).
Identifiers: ClinVar variation 4497703 (VCV004497703.2).